The following is an entry in ClinVar:

ClinVar aggregate classification (germline): Uncertain significance (1 of 4 stars; one submission).

Conditions:
Thrombophilia due to protein C deficiency, autosomal dominant. Also called: PROC DEFICIENCY, AUTOSOMAL DOMINANT; PROTEIN C DEFICIENCY, AUTOSOMAL DOMINANT. Identifiers: Orphanet 745, MedGen C2674321, MONDO:0008316, OMIM 176860. Disease mechanism: loss of function.

Submission:

Labcorp Genetics (formerly Invitae), Labcorp
Classification: Uncertain significance for Thrombophilia due to protein C deficiency, autosomal dominant. Last evaluated: 2023-10-07. Review status: criteria provided, single submitter. Criteria: Invitae Variant Classification Sherloc (09022015). Collection method: clinical testing. Allele origin: germline.
Comment: This sequence change replaces leucine, which is neutral and non-polar, with proline, which is neutral and non-polar, at codon 7 of the PROC protein (p.Leu7Pro). This variant is not present in population databases (gnomAD no frequency). This variant has not been reported in the literature in individuals affected with PROC-related conditions. An algorithm developed to predict the effect of missense changes on protein structure and function (PolyPhen-2) suggests that this variant is likely to be disruptive. In summary, the available evidence is currently insufficient to determine the role of this variant in disease. Therefore, it has been classified as a Variant of Uncertain Significance.

NM_000312.4(PROC):c.20T>C (p.Leu7Pro)

Gene: PROC (protein C, inactivator of coagulation factors Va and VIIIa; plus strand). Cytogenetic location: 2q14.3.
Variant type: single nucleotide variant.
Coding change: c.20T>C on transcript NM_000312.4 (MANE Select); coding-DNA position 20, T replaced by C.
Protein change: p.Leu7Pro; replaces leucine 7 with proline.
Molecular consequence: missense variant. On other transcripts: intron variant (1).
Genome position (GRCh38, 1-based): chr2:127,419,962, T>C. VCF-style: chr2-127419962-T-C. GRCh37 (hg19) VCF-style: chr2-128177538-T-C.
Other names: c.203T>C, p.Leu68Pro (NM_001375602.1); c.83T>C, p.Leu28Pro (NM_001375603.1, NM_001375604.1, NM_001375606.1); c.20T>C, p.Leu7Pro (NM_001375605.1, NM_001375608.1, NM_001375610.1 and 2 more transcripts); c.139T>C, p.Ser47Pro (NM_001375607.1); c.47-1321T>C (NM_001375609.1); short protein forms L28P, L7P, L68P, S47P.
Identifiers: ClinVar variation 2766701 (VCV002766701.3), dbSNP rs2468318825, ClinGen allele CA348397343.
Genomic context (GRCh38, chr2:127,419,962, plus strand): 5'-AGCTCAGAAGTCCTCCTCAGACAGGTGCCAGTGCCTCCAGAATGTGGCAGCTCACAAGCC[T>C]CCTGCTGTTCGTGGCCACCTGGGGAATTTCCGGCACACCAGCTCCTCTTGGTAAGGCCAC-3'
Protein context (NP_000303.1, residues 1-17): MWQLTS[Leu7Pro]LLFVATWGIS